The following is an entry in ClinVar:

NM_007317.3(KIF22):c.1772A>G (p.Lys591Arg)

Gene: KIF22 (kinesin family member 22; plus strand). Cytogenetic location: 16p11.2.
Variant type: single nucleotide variant.
Coding change: c.1772A>G on transcript NM_007317.3 (MANE Select); coding-DNA position 1772, A replaced by G.
Protein change: p.Lys591Arg; replaces lysine 591 with arginine.
Molecular consequence: missense variant.
Genome position (GRCh38, 1-based): chr16:29,804,908, A>G. VCF-style: chr16-29804908-A-G. GRCh37 (hg19) VCF-style: chr16-29816229-A-G.
Other names: c.1568A>G, p.Lys523Arg (NM_001256269.2, NM_001256270.1); c.1772A>G (NM_007317.1); short protein forms K523R, K591R.
Identifiers: ClinVar variation 1967806 (VCV001967806.6), dbSNP rs774952785, ClinGen allele CA7993436.
Genomic context (GRCh38, chr16:29,804,908, plus strand): 5'-AGGCTGAGGACTGCTGGGAGCTACAGATCAGCCCGGAGCTACTGGCTCATGGGCGCCAAA[A>G]AATACTGGATCTGCTGAACGAAGGCTCAGCCCGAGATCTCCGCAGTCTTCAGCGCATTGG-3'
Protein context (NP_015556.1, residues 581-601): SPELLAHGRQ[Lys591Arg]ILDLLNEGSA

ClinVar aggregate classification (germline): Uncertain significance. Review status: criteria provided, multiple submitters, no conflicts (2 of 4 stars). 2 submissions from 2 submitters: Uncertain significance (2). Last evaluated 2025-10-28.

Allele frequency attached by ClinVar (database versions not stated): ExAC 0.00001; gnomAD 0.00001; gnomAD exomes 0.00001.
gnomAD v4.1: 11 of 1,613,812 alleles (0.00068%); highest among the groups gnomAD compares: South Asian, 0.012%; no homozygotes.

Submissions (2):

Ambry Genetics
Classification: Uncertain significance. Last evaluated: 2025-10-28. Review status: criteria provided, single submitter. Criteria: Ambry Variant Classification Scheme 2023. Collection method: clinical testing. Allele origin: germline.

Labcorp Genetics (formerly Invitae), Labcorp
Classification: Uncertain significance. Last evaluated: 2022-09-17. Review status: criteria provided, single submitter. Criteria: Invitae Variant Classification Sherloc (09022015). Collection method: clinical testing. Allele origin: germline.
Comment: This variant has not been reported in the literature in individuals affected with KIF22-related conditions. This sequence change replaces lysine, which is basic and polar, with arginine, which is basic and polar, at codon 591 of the KIF22 protein (p.Lys591Arg). This variant is present in population databases (rs774952785, gnomAD 0.003%). Algorithms developed to predict the effect of missense changes on protein structure and function (SIFT, PolyPhen-2, Align-GVGD) all suggest that this variant is likely to be tolerated. In summary, the available evidence is currently insufficient to determine the role of this variant in disease. Therefore, it has been classified as a Variant of Uncertain Significance.